The following is an entry in ClinVar:

NM_001330360.2(POLA1):c.2927A>C (p.Lys976Thr)

Gene: POLA1 (DNA polymerase alpha 1, catalytic subunit; plus strand). Cytogenetic location: Xp22.11.
Variant type: single nucleotide variant.
Coding change: c.2927A>C on transcript NM_001330360.2 (MANE Select); coding-DNA position 2927, A replaced by C.
Protein change: p.Lys976Thr; replaces lysine 976 with threonine.
Molecular consequence: missense variant. On other transcripts: non-coding transcript variant (2).
Genome position (GRCh38, 1-based): chrX:24,748,955, A>C. VCF-style: chrX-24748955-A-C. GRCh37 (hg19) VCF-style: chrX-24767072-A-C.
Other names: c.2852A>C, p.Lys951Thr (NM_001378303.1); c.2909A>C, p.Lys970Thr (NM_016937.4); short protein forms K951T, K970T, K976T.
Identifiers: ClinVar variation 2580618 (VCV002580618.1), dbSNP rs2518858935, ClinGen allele CA412539503.

ClinVar aggregate classification (germline): Uncertain significance (1 of 4 stars; one submission).

Submission:

GeneDx
Classification: Uncertain significance. Last evaluated: 2023-03-24. Review status: criteria provided, single submitter. Criteria: GeneDx Variant Classification Process June 2021. Collection method: clinical testing. Allele origin: germline. Affected: yes.
Comment: Not observed at significant frequency in large population cohorts (gnomAD); In silico analysis supports that this missense variant has a deleterious effect on protein structure/function; Has not been previously published as pathogenic or benign to our knowledge